The following is an entry in ClinVar:

ClinVar aggregate classification (germline): Uncertain significance (1 of 4 stars; one submission).

gnomAD v4.1: 3 of 1,613,690 alleles (0.00019%); highest among the groups gnomAD compares: Middle Eastern, 0.033%; no homozygotes.

Submission:

Labcorp Genetics (formerly Invitae), Labcorp
Classification: Uncertain significance. Last evaluated: 2022-05-17. Review status: criteria provided, single submitter. Criteria: Invitae Variant Classification Sherloc (09022015). Collection method: clinical testing. Allele origin: germline.
Comment: This sequence change replaces arginine, which is basic and polar, with histidine, which is basic and polar, at codon 484 of the LAMA1 protein (p.Arg484His). This variant is present in population databases (no rsID available, gnomAD no frequency). This variant has not been reported in the literature in individuals affected with LAMA1-related conditions. Algorithms developed to predict the effect of missense changes on protein structure and function output the following: SIFT: "Tolerated"; PolyPhen-2: "Benign"; Align-GVGD: "Class C0". The histidine amino acid residue is found in multiple mammalian species, which suggests that this missense change does not adversely affect protein function. Algorithms developed to predict the effect of sequence changes on RNA splicing suggest that this variant may disrupt the consensus splice site. In summary, the available evidence is currently insufficient to determine the role of this variant in disease. Therefore, it has been classified as a Variant of Uncertain Significance.

NM_005559.4(LAMA1):c.1451G>A (p.Arg484His)

Genes: LAMA1 (laminin subunit alpha 1; minus strand), LOC112543434 (P300/CBP strongly-dependent group 1 enhancer GRCh37_chr18:7038146-7039345; plus strand). Cytogenetic location: 18p11.31.
Variant type: single nucleotide variant.
Coding change: c.1451G>A on transcript NM_005559.4 (MANE Select); coding-DNA position 1451, G replaced by A.
Protein change: p.Arg484His; replaces arginine 484 with histidine.
Molecular consequence: missense variant.
Genome position (GRCh38, 1-based): chr18:7,038,922, C>T on the plus strand (G>A on the coding strand, the complement: LAMA1 is on the minus strand). VCF-style: chr18-7038922-C-T. GRCh37 (hg19) VCF-style: chr18-7038921-C-T.
Other names: short protein forms R484H.
Identifiers: ClinVar variation 1991173 (VCV001991173.4), dbSNP rs1467150610, ClinGen allele CA401834094.
Genomic context (GRCh38, chr18:7,038,922, plus strand): 5'-AAGCACTCGGAGCAGCCCCGGGGGTTTTTTTCCTTCAAGTTATAGAATCCTGGCTTGCAG[C>T]GATCACAGGCCTTCCCCTCAACGTTTTCCTGTAAGTTAGGGTAAAAGATTAGCTTTTGAA-3'
Protein context (NP_005550.2, residues 474-494): KENVEGKACD[Arg484His]CKPGFYNLKE